The following is an entry in ClinVar:

NM_006031.6(PCNT):c.5300A>C (p.Gln1767Pro)

Gene: PCNT (pericentrin; plus strand). Cytogenetic location: 21q22.3.
Variant type: single nucleotide variant.
Coding change: c.5300A>C on transcript NM_006031.6 (MANE Select); coding-DNA position 5300, A replaced by C.
Protein change: p.Gln1767Pro; replaces glutamine 1767 with proline.
Molecular consequence: missense variant.
Genome position (GRCh38, 1-based): chr21:46,411,373, A>C. VCF-style: chr21-46411373-A-C. GRCh37 (hg19) VCF-style: chr21-47831287-A-C.
Other names: c.4946A>C, p.Gln1649Pro (NM_001315529.2); short protein forms Q1649P, Q1767P.
Identifiers: ClinVar variation 3354142 (VCV003354142.1).

ClinVar aggregate classification (germline): Uncertain significance (0 of 4 stars; one submission).

Conditions:
PCNT-related disorder. Also called: PCNT-related condition.

gnomAD v4.1: 6 of 1,613,888 alleles (0.00037%); highest among the groups gnomAD compares: Non-Finnish European, 0.00051%; no homozygotes.

Submission:

PreventionGenetics, part of Exact Sciences
Classification: Uncertain significance for PCNT-related condition. Last evaluated: 2024-02-07. Review status: no assertion criteria provided. Collection method: clinical testing. Allele origin: germline.
Comment: The PCNT c.5300A>C variant is predicted to result in the amino acid substitution p.Gln1767Pro. To our knowledge, this variant has not been reported in the literature. This variant is reported in 0.0026% of alleles in individuals of European (Non-Finnish) descent in gnomAD. At this time, the clinical significance of this variant is uncertain due to the absence of conclusive functional and genetic evidence.